The following is an entry in ClinVar:

ClinVar aggregate classification (germline): Uncertain significance. Review status: criteria provided, multiple submitters, no conflicts (2 of 4 stars). 3 submissions from 3 submitters: Uncertain significance (2). 1 of the submissions does not count toward it. Last evaluated 2025-09-24.

Conditions:
RHOBTB2-related disorder. Also called: RHOBTB2-related condition.
Developmental and epileptic encephalopathy, 64. Also called: EPILEPTIC ENCEPHALOPATHY, EARLY INFANTILE, 64. Identifiers: MedGen C4693899, MONDO:0033373, OMIM 618004.

Allele frequency attached by ClinVar (database versions not stated): gnomAD exomes below 0.00001; TOPMed below 0.00001; gnomAD 0.00001.
gnomAD v4.1: 3 of 1,614,092 alleles (0.00019%); highest among the groups gnomAD compares: Non-Finnish European, 0.00025%; no homozygotes.

Submissions (3):

Labcorp Genetics (formerly Invitae), Labcorp
Classification: Uncertain significance. Last evaluated: 2025-09-24. Review status: criteria provided, single submitter. Criteria: Invitae Variant Classification Sherloc (09022015). Collection method: clinical testing. Allele origin: germline.
Comment: This sequence change creates a premature translational stop signal (p.Tyr700*) in the RHOBTB2 gene. While this is not anticipated to result in nonsense mediated decay, it is expected to disrupt the last 50 amino acid(s) of the RHOBTB2 protein. This variant is present in population databases (no rsID available, gnomAD 0.0009%). This premature translational stop signal has been observed in individual(s) with RHOBTB2-related conditions (PMID: 37165955). ClinVar contains an entry for this variant (Variation ID: 3053231). Experimental studies and prediction algorithms are not available or were not evaluated, and the functional significance of this variant is currently unknown. In summary, the available evidence is currently insufficient to determine the role of this variant in disease. Therefore, it has been classified as a Variant of Uncertain Significance.

Institute of Human Genetics, University of Leipzig Medical Center
Classification: Uncertain significance for Developmental and epileptic encephalopathy, 64. Last evaluated: 2024-05-29. Review status: criteria provided, single submitter. Criteria: ACMG Guidelines, 2015. Collection method: clinical testing. Allele origin: inherited. Inheritance: Autosomal recessive inheritance. Affected: yes.
Comment: Criteria applied: PVS1_MOD,PM2,PM3_SUP

PreventionGenetics, part of Exact Sciences
Classification: Uncertain significance for RHOBTB2-related condition. Last evaluated: 2024-01-03. Review status: no assertion criteria provided. Collection method: clinical testing. Allele origin: germline. Not counted in ClinVar's aggregate classification.
Comment: The RHOBTB2 c.2100C>G variant is predicted to result in premature protein termination (p.Tyr700*). To our knowledge, this variant has not been reported in the literature. The normal protein terminates at codon 750. To our knowledge, no truncating variants result in a premature protein termination downstream of this variant. And only a limited number of truncating variants have been reported in the literature and the role of this type of variants in this gene is largely unknown (Human Gene Mutation Database). This variant is reported in 0.00088% of alleles in individuals of European (Non-Finnish) descent in gnomAD. At this time, the clinical significance of this variant is uncertain due to the absence of conclusive functional and genetic evidence.

Literature cited by the submitters: PubMed 37165955 (cited by Labcorp Genetics (formerly Invitae), Labcorp).

NM_015178.3(RHOBTB2):c.2034C>G (p.Tyr678Ter)

Gene: RHOBTB2 (Rho related BTB domain containing 2; plus strand). Cytogenetic location: 8p21.3.
Variant type: single nucleotide variant.
Coding change: c.2034C>G on transcript NM_015178.3 (MANE Select); coding-DNA position 2034, C replaced by G.
Protein change: p.Tyr678Ter; replaces tyrosine 678 with a stop codon.
Molecular consequence: nonsense.
Genome position (GRCh38, 1-based): chr8:23,017,319, C>G. VCF-style: chr8-23017319-C-G. GRCh37 (hg19) VCF-style: chr8-22874832-C-G.
Other names: c.2100C>G, p.Tyr700Ter (NM_001160036.2); c.2055C>G, p.Tyr685Ter (NM_001160037.2); c.2034C>G, p.Tyr678Ter (NM_001374791.1); short protein forms Y678*, Y685*, Y700*.
Identifiers: ClinVar variation 3053231 (VCV003053231.5), dbSNP rs1301744919, ClinGen allele CA370577154.